The following is an entry in ClinVar:

ClinVar aggregate classification (germline): Uncertain significance (1 of 4 stars; one submission).

Submission:

Labcorp Genetics (formerly Invitae), Labcorp
Classification: Uncertain significance. Last evaluated: 2023-07-28. Review status: criteria provided, single submitter. Criteria: Invitae Variant Classification Sherloc (09022015). Collection method: clinical testing. Allele origin: germline.
Comment: This variant has not been reported in the literature in individuals affected with MSH3-related conditions. This variant is not present in population databases (gnomAD no frequency). This sequence change replaces glutamic acid, which is acidic and polar, with glycine, which is neutral and non-polar, at codon 211 of the MSH3 protein (p.Glu211Gly). In summary, the available evidence is currently insufficient to determine the role of this variant in disease. Therefore, it has been classified as a Variant of Uncertain Significance. An algorithm developed to predict the effect of missense changes on protein structure and function (PolyPhen-2) suggests that this variant is likely to be tolerated.

NM_002439.5(MSH3):c.632A>G (p.Glu211Gly)

Gene: MSH3 (mutS homolog 3; plus strand). Cytogenetic location: 5q14.1.
Variant type: single nucleotide variant.
Coding change: c.632A>G on transcript NM_002439.5 (MANE Select); coding-DNA position 632, A replaced by G.
Protein change: p.Glu211Gly; replaces glutamic acid 211 with glycine.
Molecular consequence: missense variant.
Genome position (GRCh38, 1-based): chr5:80,670,149, A>G. VCF-style: chr5-80670149-A-G. GRCh37 (hg19) VCF-style: chr5-79965968-A-G.
Other names: short protein forms E211G.
Identifiers: ClinVar variation 2747961 (VCV002747961.3), dbSNP rs2546721079, ClinGen allele CA360266485.
Genomic context (GRCh38, chr5:80,670,149, plus strand): 5'-GTTGCCAGGACACAACACTTTTTGATCTCAGTCAGTTTGGATCATCAAATACAAGTCATG[A>G]AAATTTACAGAAAACTGCTTCCAAATCAGCTAACAAACGGTCCAAAAGCATCTATACGCC-3'
Protein context (NP_002430.3, residues 201-221): SQFGSSNTSH[Glu211Gly]NLQKTASKSA